The following is an entry in ClinVar:

NM_013275.6(ANKRD11):c.2088dup (p.Glu697fs)

Gene: ANKRD11 (ankyrin repeat domain 11; minus strand). Cytogenetic location: 16q24.3.
Variant type: Duplication.
Coding change: c.2088dup on transcript NM_013275.6 (MANE Select); coding-DNA position 2088, one base duplicated (A; older notation c.2088dupA).
Protein change: p.Glu697fs; shifts the reading frame from glutamic acid 697.
Molecular consequence: frameshift variant.
Genome position (GRCh38, 1-based): chr16:89,284,454, T duplicated on the plus strand (A on the coding strand, the reverse complement: ANKRD11 is on the minus strand); the first of 6 consecutive T bases (chr16:89,284,454-89,284,459); duplicating any one gives the same sequence. VCF-style (leftmost placement, unchanged base first): chr16-89284453-C-CT. GRCh37 (hg19) VCF-style: chr16-89350861-C-CT.
Other names: c.2088dup, p.Glu697fs (NM_001256182.2, NM_001256183.2); short protein forms E697fs.
Identifiers: ClinVar variation 2114579 (VCV002114579.4), dbSNP rs2034503530, ClinGen allele CA2580092312.

ClinVar aggregate classification (germline): Pathogenic (1 of 4 stars; one submission).

Conditions:
KBG syndrome (KBGS). Also called: ANKRD11-Related KBG Syndrome. Identifiers: Orphanet 2332, MedGen C0220687, MONDO:0007846, OMIM 148050.

Submission:

Labcorp Genetics (formerly Invitae), Labcorp
Classification: Pathogenic for KBG syndrome. Last evaluated: 2022-03-19. Review status: criteria provided, single submitter. Criteria: Invitae Variant Classification Sherloc (09022015). Collection method: clinical testing. Allele origin: germline.
Comment: For these reasons, this variant has been classified as Pathogenic. This variant has not been reported in the literature in individuals affected with ANKRD11-related conditions. This variant is not present in population databases (gnomAD no frequency). This sequence change creates a premature translational stop signal (p.Glu697Argfs*5) in the ANKRD11 gene. It is expected to result in an absent or disrupted protein product. Loss-of-function variants in ANKRD11 are known to be pathogenic (PMID: 21782149, 25125236, 25413698, 25652421).

Literature cited by the submitters: PubMed 21782149; PubMed 25125236; PubMed 25413698; PubMed 25652421.